The following is an entry in ClinVar:

NM_004260.4(RECQL4):c.3508C>G (p.Pro1170Ala)

Gene: RECQL4 (RecQ like helicase 4; minus strand). Cytogenetic location: 8q24.3.
Variant type: single nucleotide variant.
Coding change: c.3508C>G on transcript NM_004260.4 (MANE Select); coding-DNA position 3508, C replaced by G.
Protein change: p.Pro1170Ala; replaces proline 1170 with alanine.
Molecular consequence: missense variant. On other transcripts: non-coding transcript variant (3).
Genome position (GRCh38, 1-based): chr8:144,511,550, G>C on the plus strand (C>G on the coding strand, the complement: RECQL4 is on the minus strand). VCF-style: chr8-144511550-G-C. GRCh37 (hg19) VCF-style: chr8-145736933-G-C.
Other names: c.3214C>G, p.Pro1072Ala (NM_001413017.1); c.3310C>G, p.Pro1104Ala (NM_001413018.1); c.3583C>G, p.Pro1195Ala (NM_001413019.1); c.3412C>G, p.Pro1138Ala (NM_001413020.1); c.2437C>G, p.Pro813Ala (NM_001413021.1, NM_001413022.1, NM_001413024.1 and 4 more transcripts); c.2512C>G, p.Pro838Ala (NM_001413023.1); c.3379C>G, p.Pro1127Ala (NM_001413025.1); c.2371C>G, p.Pro791Ala (NM_001413027.1, NM_001413030.1, NM_001413032.1); and 9 more; short protein forms P1127A, P1138A, P803A, P813A, P1173A, P1195A, P747A, P769A.
Identifiers: ClinVar variation 3007715 (VCV003007715.3), dbSNP rs1038354357, ClinGen allele CA372666188.

ClinVar aggregate classification (germline): Uncertain significance (1 of 4 stars; one submission).

Conditions:
Baller-Gerold syndrome (BGS). Also called: CRANIOSYNOSTOSIS WITH RADIAL DEFECTS. Identifiers: Orphanet 1225, MedGen C0265308, MONDO:0009039, OMIM 218600.

Submission:

Labcorp Genetics (formerly Invitae), Labcorp
Classification: Uncertain significance for Baller-Gerold syndrome. Last evaluated: 2023-03-03. Review status: criteria provided, single submitter. Criteria: Invitae Variant Classification Sherloc (09022015). Collection method: clinical testing. Allele origin: germline.
Comment: This sequence change replaces proline, which is neutral and non-polar, with alanine, which is neutral and non-polar, at codon 1170 of the RECQL4 protein (p.Pro1170Ala). This variant is not present in population databases (gnomAD no frequency). This variant has not been reported in the literature in individuals affected with RECQL4-related conditions. Advanced modeling of protein sequence and biophysical properties (such as structural, functional, and spatial information, amino acid conservation, physicochemical variation, residue mobility, and thermodynamic stability) performed at Invitae indicates that this missense variant is expected to disrupt RECQL4 protein function. In summary, the available evidence is currently insufficient to determine the role of this variant in disease. Therefore, it has been classified as a Variant of Uncertain Significance.